The following is an entry in ClinVar:

NM_000348.4(SRD5A2):c.82_88del (p.Ala28fs)

Gene: SRD5A2 (steroid 5 alpha-reductase 2; minus strand). Cytogenetic location: 2p23.1.
Variant type: Deletion.
Coding change: c.82_88del on transcript NM_000348.4 (MANE Select); coding-DNA positions 82 to 88, 7 bases deleted (GCGAAGC; older notation c.82_88delGCGAAGC).
Protein change: p.Ala28fs; shifts the reading frame from alanine 28.
Molecular consequence: frameshift variant.
Genome position (GRCh38, 1-based): chr2:31,580,813-31,580,819, GCTTCGC deleted on the plus strand (GCGAAGC on the coding strand, the reverse complement: SRD5A2 is on the minus strand); deleting any 7 consecutive bases within chr2:31,580,813-31,580,820 gives the same sequence; the c. name uses the placement nearest the transcript's 3' end. VCF-style (leftmost placement, unchanged base first): chr2-31580812-GGCTTCGC-G. GRCh37 (hg19) VCF-style: chr2-31805881-GGCTTCGC-G.
Other names: short protein forms A28fs.
Identifiers: ClinVar variation 2735335 (VCV002735335.3), dbSNP rs2465708615, ClinGen allele CA2697547977.

ClinVar aggregate classification (germline): Pathogenic (1 of 4 stars; one submission).

Conditions:
3-Oxo-5 alpha-steroid delta 4-dehydrogenase deficiency (PPSH). Also called: PSEUDOVAGINAL PERINEOSCROTAL HYPOSPADIAS; FAMILIAL INCOMPLETE MALE PSEUDOHERMAPHRODITISM, TYPE 2; MALE PSEUDOHERMAPHRODITISM DUE TO 5-ALPHA-REDUCTASE DEFICIENCY; 46,XY disorder of sex development due to 5-alpha-reductase 2 deficiency. Identifiers: Orphanet 753, MedGen C0268297, MONDO:0009923, OMIM 264600. Disease mechanism: loss of function.

Submission:

Labcorp Genetics (formerly Invitae), Labcorp
Classification: Pathogenic for 3-Oxo-5 alpha-steroid delta 4-dehydrogenase deficiency. Last evaluated: 2023-05-27. Review status: criteria provided, single submitter. Criteria: Invitae Variant Classification Sherloc (09022015). Collection method: clinical testing. Allele origin: germline.
Comment: For these reasons, this variant has been classified as Pathogenic. This variant has not been reported in the literature in individuals affected with SRD5A2-related conditions. This variant is not present in population databases (gnomAD no frequency). This sequence change creates a premature translational stop signal (p.Ala28Leufs*105) in the SRD5A2 gene. It is expected to result in an absent or disrupted protein product. Loss-of-function variants in SRD5A2 are known to be pathogenic (PMID: 1406794, 1944596).

Literature cited by the submitters: PubMed 1406794; PubMed 1944596.